The following is an entry in ClinVar:

ClinVar aggregate classification (germline): Uncertain significance (1 of 4 stars; one submission).

gnomAD v4.1: 1 of 1,613,810 alleles (0.000062%); highest among the groups gnomAD compares: African/African-American, 0.0013%; no homozygotes.

Submission:

Athena Diagnostics
Classification: Uncertain significance. Last evaluated: 2024-11-19. Review status: criteria provided, single submitter. Criteria: Athena Diagnostics Criteria. Collection method: clinical testing. Allele origin: unknown.
Comment: Available data are insufficient to determine the clinical significance of the variant at this time. The frequency of this variant in the general population is uninformative in assessment of its pathogenicity. Polyphen and MutationTaster yielded discordant predictions regarding whether this amino acid change is damaging to the protein.

NM_198994.3(TGM6):c.806T>G (p.Val269Gly)

Gene: TGM6 (transglutaminase 6; plus strand). Cytogenetic location: 20p13.
Variant type: single nucleotide variant.
Coding change: c.806T>G on transcript NM_198994.3 (MANE Select); coding-DNA position 806, T replaced by G.
Protein change: p.Val269Gly; replaces valine 269 with glycine.
Molecular consequence: missense variant.
Genome position (GRCh38, 1-based): chr20:2,399,694, T>G. VCF-style: chr20-2399694-T-G. GRCh37 (hg19) VCF-style: chr20-2380340-T-G.
Other names: c.806T>G, p.Val269Gly (NM_001254734.2); short protein forms V269G.
Identifiers: ClinVar variation 3571876 (VCV003571876.1).